The following is an entry in ClinVar:

ClinVar aggregate classification (germline): Uncertain significance (1 of 4 stars; one submission).

gnomAD v4.1: 1 of 1,614,240 alleles (0.000062%); highest among the groups gnomAD compares: East Asian, 0.0022%; no homozygotes.

Submission:

Labcorp Genetics (formerly Invitae), Labcorp
Classification: Uncertain significance. Last evaluated: 2025-04-24. Review status: criteria provided, single submitter. Criteria: Invitae Variant Classification Sherloc (09022015). Collection method: clinical testing. Allele origin: germline.
Comment: This sequence change replaces cysteine, which is neutral and slightly polar, with serine, which is neutral and polar, at codon 265 of the ARHGEF10 protein (p.Cys265Ser). This variant is present in population databases (no rsID available, gnomAD 0.01%). This variant has not been reported in the literature in individuals affected with ARHGEF10-related conditions. An algorithm developed to predict the effect of missense changes on protein structure and function outputs the following: PolyPhen-2: "Benign". The serine amino acid residue is found in multiple mammalian species, which suggests that this missense change does not adversely affect protein function. In summary, the available evidence is currently insufficient to determine the role of this variant in disease. Therefore, it has been classified as a Variant of Uncertain Significance.

NM_014629.4(ARHGEF10):c.794G>C (p.Cys265Ser)

Gene: ARHGEF10 (Rho guanine nucleotide exchange factor 10; plus strand). Cytogenetic location: 8p23.3.
Variant type: single nucleotide variant.
Coding change: c.794G>C on transcript NM_014629.4 (MANE Select); coding-DNA position 794, G replaced by C.
Protein change: p.Cys265Ser; replaces cysteine 265 with serine.
Molecular consequence: missense variant.
Genome position (GRCh38, 1-based): chr8:1,876,685, G>C. VCF-style: chr8-1876685-G-C. GRCh37 (hg19) VCF-style: chr8-1824851-G-C.
Other names: c.797G>C, p.Cys266Ser (NM_001308152.2, NM_001308153.3, NM_001438091.1 and 2 more transcripts); c.794G>C, p.Cys265Ser (NM_001438093.1); short protein forms C290S, C266S, C265S.
Identifiers: ClinVar variation 4708704 (VCV004708704.1).